The following is an entry in ClinVar:

NM_001370259.2(MEN1):c.1275G>A (p.Glu425=)

Gene: MEN1 (menin 1; minus strand). Cytogenetic location: 11q13.1.
Variant type: single nucleotide variant.
Coding change: c.1275G>A on transcript NM_001370259.2 (MANE Select); coding-DNA position 1275, G replaced by A.
Protein change: p.Glu425=; no amino-acid change (glutamic acid 425 retained).
Molecular consequence: synonymous variant.
Genome position (GRCh38, 1-based): chr11:64,805,109, C>T on the plus strand (G>A on the coding strand, the complement: MEN1 is on the minus strand). VCF-style: chr11-64805109-C-T. GRCh37 (hg19) VCF-style: chr11-64572581-C-T.
Other names: c.1290G>A, p.Glu430= (NM_130800.3, NM_130801.3, NM_130802.3 and 3 more transcripts); c.1401G>A, p.Glu467= (NM_001370251.2); c.1275G>A, p.Glu425= (NM_001370260.2, NM_001370261.2, NM_130799.3); c.1170G>A, p.Glu390= (NM_001370262.2, NM_001370263.2); c.1275G>A (NM_130799.2).
Identifiers: ClinVar variation 1543356 (VCV001543356.10), dbSNP rs1236745071, ClinGen allele CA474982786.
Genomic context (GRCh38, chr11:64,805,109, plus strand): 5'-GCCTAGGGACTGCACAAGAAAGGTGGCCCAGCCCACATGCAGCACAGGCGTGGGACTGCC[C>T]TCCTCCCATTTGCAGATGCCGTCGTAGAATCGCAGCAGGTGGGCGAAGCACTCAGGGTCC-3'
Protein context (NP_001357188.2, residues 415-435): RFYDGICKWE[Glu425=]GSPTPVLHVG

ClinVar aggregate classification (germline): Benign/Likely benign. Review status: criteria provided, multiple submitters, no conflicts (2 of 4 stars). 4 submissions from 4 submitters: Benign (1); Likely benign (3). Last evaluated 2025-11-23.

Conditions:
Hereditary cancer-predisposing syndrome. Also called: Tumor predisposition; Hereditary Cancer Syndrome; Hereditary neoplastic syndrome; Neoplastic Syndromes, Hereditary. Identifiers: Orphanet 140162, MedGen C0027672, MeSH D009386, MONDO:0015356.
Multiple endocrine neoplasia, type 1 (MEN1). Also called: MEN I; WERMER SYNDROME; Endocrine adenomatosis multiple; MEN 1; MEA I. Identifiers: Orphanet 652, MedGen C0025267, MeSH D018761, MONDO:0007540, OMIM 131100.

Allele frequency attached by ClinVar (database versions not stated): TOPMed below 0.00001; gnomAD 0.00001; gnomAD exomes 0.00001.

Submissions (4):

Labcorp Genetics (formerly Invitae), Labcorp
Classification: Likely benign for Multiple endocrine neoplasia, type 1. Last evaluated: 2025-11-23. Review status: criteria provided, single submitter. Criteria: Invitae Variant Classification Sherloc (09022015). Collection method: clinical testing. Allele origin: germline.

Myriad Genetics, Inc.
Classification: Benign for Multiple endocrine neoplasia, type 1. Last evaluated: 2024-11-05. Review status: criteria provided, single submitter. Criteria: Myriad Autosomal Dominant, Autosomal Recessive and X-Linked Classification Criteria (2023). Collection method: clinical testing. Allele origin: unknown.
Comment: This variant is considered benign. This variant is a silent/synonymous amino acid change and it is not expected to impact splicing.

Ambry Genetics
Classification: Likely benign for Hereditary cancer-predisposing syndrome. Last evaluated: 2022-11-17. Review status: criteria provided, single submitter. Criteria: Ambry Variant Classification Scheme 2023. Collection method: clinical testing. Allele origin: germline.

Color Diagnostics, LLC DBA Color Health
Classification: Likely benign for Multiple endocrine neoplasia, type 1. Last evaluated: 2022-11-06. Review status: criteria provided, single submitter. Criteria: ACMG Guidelines, 2015. Collection method: clinical testing. Allele origin: germline.